The following is an entry in ClinVar:

NM_001394062.1(MACF1):c.13888G>A (p.Glu4630Lys)

Gene: MACF1 (microtubule actin crosslinking factor 1; plus strand). Cytogenetic location: 1p34.3.
Variant type: single nucleotide variant.
Coding change: c.13888G>A on transcript NM_001394062.1 (MANE Select); coding-DNA position 13888, G replaced by A.
Protein change: p.Glu4630Lys; replaces glutamic acid 4630 with lysine.
Molecular consequence: missense variant.
Genome position (GRCh38, 1-based): chr1:39,385,473, G>A. VCF-style: chr1-39385473-G-A. GRCh37 (hg19) VCF-style: chr1-39851145-G-A.
Other names: c.7702G>A, p.Glu2568Lys (NM_012090.5); short protein forms E2568K, E4630K.
Identifiers: ClinVar variation 2121431 (VCV002121431.4), dbSNP rs1407261199, ClinGen allele CA339834418.
Genomic context (GRCh38, chr1:39,385,473, plus strand): 5'-TTGGTGTCATTTCTATTTCAGTTTATGCTAAAGGAATTTGAAGCACGCAGGCAACAGCAT[G>A]AGCAACTGAATGAGGCAGCTCAGGGCATCCTAACAGGCCCTGGAGATGTCTCTCTGTCCA-3'
Protein context (NP_001380991.1, residues 4620-4640): KEFEARRQQH[Glu4630Lys]QLNEAAQGIL

ClinVar aggregate classification (germline): Uncertain significance (1 of 4 stars; one submission).

Allele frequency attached by ClinVar (database versions not stated): gnomAD exomes below 0.00001.
gnomAD v4.1: 1 of 1,614,116 alleles (0.000062%); highest among the groups gnomAD compares: Non-Finnish European, 0.000085%; no homozygotes.

Submission:

Labcorp Genetics (formerly Invitae), Labcorp
Classification: Uncertain significance. Last evaluated: 2024-10-16. Review status: criteria provided, single submitter. Criteria: Invitae Variant Classification Sherloc (09022015). Collection method: clinical testing. Allele origin: germline.
Comment: This sequence change replaces glutamic acid, which is acidic and polar, with lysine, which is basic and polar, at codon 2568 of the MACF1 protein (p.Glu2568Lys). This variant is not present in population databases (gnomAD no frequency). This variant has not been reported in the literature in individuals affected with MACF1-related conditions. ClinVar contains an entry for this variant (Variation ID: 2121431). An algorithm developed to predict the effect of missense changes on protein structure and function (PolyPhen-2) suggests that this variant is likely to be tolerated. In summary, the available evidence is currently insufficient to determine the role of this variant in disease. Therefore, it has been classified as a Variant of Uncertain Significance.